The following is an entry in ClinVar:

ClinVar aggregate classification (germline): Uncertain significance (1 of 4 stars; one submission).

Submission:

GeneDx
Classification: Uncertain significance. Last evaluated: 2024-06-07. Review status: criteria provided, single submitter. Criteria: GeneDx Variant Classification Process June 2021. Collection method: clinical testing. Allele origin: germline. Affected: yes.
Comment: Not observed at significant frequency in large population cohorts (gnomAD); In silico analysis supports that this missense variant has a deleterious effect on protein structure/function; Has not been previously published as pathogenic or benign to our knowledge

NM_005085.4(NUP214):c.5666T>C (p.Leu1889Pro)

Gene: NUP214 (nucleoporin 214; plus strand). Cytogenetic location: 9q34.13.
Variant type: single nucleotide variant.
Coding change: c.5666T>C on transcript NM_005085.4 (MANE Select); coding-DNA position 5666, T replaced by C.
Protein change: p.Leu1889Pro; replaces leucine 1889 with proline.
Molecular consequence: missense variant.
Genome position (GRCh38, 1-based): chr9:131,215,285, T>C. VCF-style: chr9-131215285-T-C. GRCh37 (hg19) VCF-style: chr9-134090672-T-C.
Other names: c.5636T>C, p.Leu1879Pro (NM_001318324.2); c.2144T>C, p.Leu715Pro (NM_001318325.2); short protein forms L1879P, L1889P, L715P.
Identifiers: ClinVar variation 3384312 (VCV003384312.1).
Genomic context (GRCh38, chr9:131,215,285, plus strand): 5'-CCAGTGGTAGCGTGTTTGGGTCTGGAAACACTGGAAGAGGGGGAGGTTTCTTCAGTGGCC[T>C]TGGAGGAAAACCCAGTCAGGATGCAGCCAACAAAAACCCATTCAGCTCGGCCAGTGGGGG-3'
Protein context (NP_005076.3, residues 1879-1899): TGRGGGFFSG[Leu1889Pro]GGKPSQDAAN